The following is an entry in ClinVar:

ClinVar aggregate classification (germline): Pathogenic/Likely pathogenic. Review status: criteria provided, multiple submitters, no conflicts (2 of 4 stars). 3 submissions from 3 submitters: Pathogenic (1); Likely pathogenic (2). Last evaluated 2025-07-16.

Conditions:
Cohen syndrome (COH1). Also called: Cutis verticis gyrata, retinitis pigmentosa, and sensorineural deafness; PEPPER SYNDROME. Identifiers: Orphanet 193, MedGen C0265223, MONDO:0008999, OMIM 216550.

gnomAD v4.1: 6 of 1,613,396 alleles (0.00037%); highest among the groups gnomAD compares: Non-Finnish European, 0.00042%; no homozygotes.

Submissions (3):

Natera, Inc.
Classification: Likely pathogenic for Cohen syndrome. Last evaluated: 2025-07-16. Review status: criteria provided, single submitter. Criteria: Natera Variant Classification Schema (03/2026). Collection method: clinical testing. Allele origin: germline.
Comment: The c.9301C>T variant in VPS13B is a nonsense variant predicted to introduce a stop codon at amino acid 3101. This variant is expected to result in nonsense mediated decay, truncation, or a dysfunctional protein product. This variant is rare in the general population with a frequency below the threshold expected for the associated phenotype(s). Given the available evidence, this variant is classified as Likely Pathogenic.

Fulgent Genetics
Classification: Likely pathogenic for Cohen syndrome. Last evaluated: 2024-06-08. Review status: criteria provided, single submitter. Criteria: ACMG Guidelines, 2015. Collection method: clinical testing. Allele origin: germline.

Labcorp Genetics (formerly Invitae), Labcorp
Classification: Pathogenic for Cohen syndrome. Last evaluated: 2024-02-16. Review status: criteria provided, single submitter. Criteria: Invitae Variant Classification Sherloc (09022015). Collection method: clinical testing. Allele origin: germline.
Comment: This sequence change creates a premature translational stop signal (p.Gln3101*) in the VPS13B gene. It is expected to result in an absent or disrupted protein product. Loss-of-function variants in VPS13B are known to be pathogenic (PMID: 15141358, 16648375, 20461111). This variant is not present in population databases (gnomAD no frequency). This variant has not been reported in the literature in individuals affected with VPS13B-related conditions. For these reasons, this variant has been classified as Pathogenic.

Literature cited by the submitters: PubMed 15141358 (cited by Labcorp Genetics (formerly Invitae), Labcorp); PubMed 16648375 (cited by Labcorp Genetics (formerly Invitae), Labcorp); PubMed 20461111 (cited by Labcorp Genetics (formerly Invitae), Labcorp).

NM_152564.5(VPS13B):c.9226C>T (p.Gln3076Ter)

Gene: VPS13B (vacuolar protein sorting 13 homolog B; plus strand). Cytogenetic location: 8q22.2.
Variant type: single nucleotide variant.
Coding change: c.9226C>T on transcript NM_152564.5 (MANE Select); coding-DNA position 9226, C replaced by T.
Protein change: p.Gln3076Ter; replaces glutamine 3076 with a stop codon.
Molecular consequence: nonsense.
Genome position (GRCh38, 1-based): chr8:99,823,874, C>T. VCF-style: chr8-99823874-C-T. GRCh37 (hg19) VCF-style: chr8-100836102-C-T.
Other names: c.9301C>T, p.Gln3101Ter (NM_017890.5); short protein forms Q3101*, Q3076*.
Identifiers: ClinVar variation 3595014 (VCV003595014.4).